The following is an entry in ClinVar:

NM_020433.5(JPH2):c.289C>T (p.Arg97Trp)

Gene: JPH2 (junctophilin 2; minus strand). Cytogenetic location: 20q13.12.
Variant type: single nucleotide variant.
Coding change: c.289C>T on transcript NM_020433.5 (MANE Select); coding-DNA position 289, C replaced by T.
Protein change: p.Arg97Trp; replaces arginine 97 with tryptophan.
Molecular consequence: missense variant.
Genome position (GRCh38, 1-based): chr20:44,186,417, G>A on the plus strand (C>T on the coding strand, the complement: JPH2 is on the minus strand). VCF-style: chr20-44186417-G-A. GRCh37 (hg19) VCF-style: chr20-42815057-G-A.
Other names: c.289C>T, p.Arg97Trp (NM_175913.4); short protein forms R97W.
Identifiers: ClinVar variation 849674 (VCV000849674.9), dbSNP rs746943770, ClinGen allele CA9868897.
Genomic context (GRCh38, chr20:44,186,417, plus strand): 5'-CGTCTTGCAGGCCATTGTTCCAGGTGCCCTCATACTTGGCACCGCTGCTTGAGCTCTGCC[G>A]GATTCCGTAGCGTCCCTTGAAGCCATGTGTCCACTCGCCCTTGTAGAGCCAGCGCCCCTT-3'
Protein context (NP_065166.2, residues 87-107): THGFKGRYGI[Arg97Trp]QSSSSGAKYE

ClinVar aggregate classification (germline): Uncertain significance (1 of 4 stars; one submission).

Conditions:
Hypertrophic cardiomyopathy. Also called: HYPERTROPHIC MYOCARDIOPATHY. Identifiers: Orphanet 217569, MedGen C0007194, MeSH D002312, MONDO:0005045, HP:0001639.

Allele frequency attached by ClinVar (database versions not stated): gnomAD exomes below 0.00001; ExAC 0.00001.
gnomAD v4.1: 2 of 1,613,846 alleles (0.00012%); highest among the groups gnomAD compares: Non-Finnish European, 0.00017%; no homozygotes.

Submission:

Labcorp Genetics (formerly Invitae), Labcorp
Classification: Uncertain significance for Hypertrophic cardiomyopathy. Last evaluated: 2023-11-14. Review status: criteria provided, single submitter. Criteria: Invitae Variant Classification Sherloc (09022015). Collection method: clinical testing. Allele origin: germline.
Comment: This sequence change replaces arginine, which is basic and polar, with tryptophan, which is neutral and slightly polar, at codon 97 of the JPH2 protein (p.Arg97Trp). This variant is present in population databases (rs746943770, gnomAD 0.0009%). This variant has not been reported in the literature in individuals affected with JPH2-related conditions. ClinVar contains an entry for this variant (Variation ID: 849674). An algorithm developed to predict the effect of missense changes on protein structure and function (PolyPhen-2) suggests that this variant is likely to be disruptive. In summary, the available evidence is currently insufficient to determine the role of this variant in disease. Therefore, it has been classified as a Variant of Uncertain Significance.